The following is an entry in ClinVar:

NM_012434.5(SLC17A5):c.479del (p.Gly160fs)

Gene: SLC17A5 (solute carrier family 17 member 5; minus strand). Cytogenetic location: 6q13.
Variant type: Deletion.
Coding change: c.479del on transcript NM_012434.5 (MANE Select); coding-DNA position 479, one base deleted (G; older notation c.479delG).
Protein change: p.Gly160fs; shifts the reading frame from glycine 160.
Molecular consequence: frameshift variant.
Genome position (GRCh38, 1-based): chr6:73,641,737, C deleted on the plus strand (G on the coding strand, the reverse complement: SLC17A5 is on the minus strand); the first of 2 consecutive C bases (chr6:73,641,737-73,641,738); deleting either gives the same sequence. VCF-style (leftmost placement, unchanged base first): chr6-73641736-TC-T. GRCh37 (hg19) VCF-style: chr6-74351459-TC-T.
Other names: c.248del, p.Gly83fs (NM_001382629.1, NM_001382636.1); c.479del, p.Gly160fs (NM_001382630.1, NM_001382632.1, NM_001382633.1 and 2 more transcripts); c.500del, p.Gly167fs (NM_001382631.1); short protein forms G83fs, G160fs, G167fs.
Identifiers: ClinVar variation 2098722 (VCV002098722.4), dbSNP rs2533510673, ClinGen allele CA2580075793.

ClinVar aggregate classification (germline): Pathogenic (1 of 4 stars; one submission).

Conditions:
Salla disease (SD). Also called: Less Severe FSASD (Salla Disease); Sialuria, Finnish type; N-acetylneuraminic acid (NANA) storage disease (NSD); Infantile sialic acid storage disorder (ISSD). Identifiers: Orphanet 309334, Orphanet 834, MedGen C1096903, MONDO:0011449, OMIM 604369.

Submission:

Labcorp Genetics (formerly Invitae), Labcorp
Classification: Pathogenic for Salla disease. Last evaluated: 2022-02-18. Review status: criteria provided, single submitter. Criteria: Invitae Variant Classification Sherloc (09022015). Collection method: clinical testing. Allele origin: germline.
Comment: This sequence change creates a premature translational stop signal (p.Gly160Glufs*11) in the SLC17A5 gene. It is expected to result in an absent or disrupted protein product. Loss-of-function variants in SLC17A5 are known to be pathogenic (PMID: 10581036, 10947946, 15172001). This variant is not present in population databases (gnomAD no frequency). This variant has not been reported in the literature in individuals affected with SLC17A5-related conditions. For these reasons, this variant has been classified as Pathogenic.

Literature cited by the submitters: PubMed 10581036; PubMed 10947946; PubMed 15172001.